The following is an entry in ClinVar:

NM_001040108.2(MLH3):c.4267C>T (p.Arg1423Cys)

Gene: MLH3 (mutL homolog 3; minus strand). Cytogenetic location: 14q24.3.
Variant type: single nucleotide variant.
Coding change: c.4267C>T on transcript NM_001040108.2 (MANE Select); coding-DNA position 4267, C replaced by T.
Protein change: p.Arg1423Cys; replaces arginine 1423 with cysteine.
Molecular consequence: missense variant.
Genome position (GRCh38, 1-based): chr14:75,017,177, G>A on the plus strand (C>T on the coding strand, the complement: MLH3 is on the minus strand). VCF-style: chr14-75017177-G-A. GRCh37 (hg19) VCF-style: chr14-75483880-G-A.
Other names: c.4195C>T, p.Arg1399Cys (NM_014381.3); short protein forms R1399C, R1423C.
Identifiers: ClinVar variation 1739210 (VCV001739210.6), dbSNP rs1278350332, ClinGen allele CA390418131.
Genomic context (GRCh38, chr14:75,017,177, plus strand): 5'-GGCTCTGCCTTGTATCACACTCTGCTTTTCCAAAGAGACGCCAGGCCTGGGCCATTTTGC[G>A]AAGTTTAGTGAGGTTGGGTTTAATCTATGGGAAGAAAGAATAACTTCAATTAGCAATATG-3'
Protein context (NP_001035197.1, residues 1413-1433): KQIKPNLTKL[Arg1423Cys]KMAQAWRLFG

ClinVar aggregate classification (germline): Uncertain significance. Review status: criteria provided, multiple submitters, no conflicts (2 of 4 stars). 2 submissions from 2 submitters: Uncertain significance (2). Last evaluated 2024-08-01.

Conditions:
Colorectal cancer, hereditary nonpolyposis, type 7. Identifiers: Orphanet 144, MedGen C1858380, MONDO:0013725, OMIM 614385.

Allele frequency attached by ClinVar (database versions not stated): TOPMed below 0.00001; gnomAD 0.00001; gnomAD exomes 0.00001.
gnomAD v4.1: 10 of 1,611,820 alleles (0.00062%); highest among the groups gnomAD compares: East Asian, 0.0045%; no homozygotes.

Submissions (2):

Ambry Genetics
Classification: Uncertain significance. Last evaluated: 2024-08-01. Review status: criteria provided, single submitter. Criteria: Ambry Variant Classification Scheme 2023. Collection method: clinical testing. Allele origin: germline.
Comment: The p.R1423C variant (also known as c.4267C>T), located in coding exon 12 of the MLH3 gene, results from a C to T substitution at nucleotide position 4267. The arginine at codon 1423 is replaced by cysteine, an amino acid with highly dissimilar properties. This amino acid position is conserved. In addition, the in silico prediction for this alteration is inconclusive. Since supporting evidence is limited at this time, the clinical significance of this alteration remains unclear.

Labcorp Genetics (formerly Invitae), Labcorp
Classification: Uncertain significance for Colorectal cancer, hereditary nonpolyposis, type 7. Last evaluated: 2024-04-13. Review status: criteria provided, single submitter. Criteria: Invitae Variant Classification Sherloc (09022015). Collection method: clinical testing. Allele origin: germline.
Comment: This sequence change replaces arginine, which is basic and polar, with cysteine, which is neutral and slightly polar, at codon 1423 of the MLH3 protein (p.Arg1423Cys). This variant is present in population databases (no rsID available, gnomAD 0.0009%). This variant has not been reported in the literature in individuals affected with MLH3-related conditions. ClinVar contains an entry for this variant (Variation ID: 1739210). Algorithms developed to predict the effect of missense changes on protein structure and function output the following: SIFT: "Not Available"; PolyPhen-2: "Benign"; Align-GVGD: "Not Available". The cysteine amino acid residue is found in multiple mammalian species, which suggests that this missense change does not adversely affect protein function. In summary, the available evidence is currently insufficient to determine the role of this variant in disease. Therefore, it has been classified as a Variant of Uncertain Significance.